The following is an entry in ClinVar:

ClinVar aggregate classification (germline): Likely benign. Review status: criteria provided, multiple submitters, no conflicts (2 of 4 stars). 3 submissions from 3 submitters: Likely benign (3). Last evaluated 2026-01-07.

Conditions:
EGR2-related disorder. Also called: EGR2-related condition.
Charcot-Marie-Tooth disease, type I (CMT1). Also called: Charcot-Marie-Tooth disease type 1; Charcot-Marie-Tooth, Type 1. Identifiers: Orphanet 65753, MedGen C0751036, MONDO:0019011.

Allele frequency attached by ClinVar (database versions not stated): gnomAD 0.00002 and 0.00001; TOPMed 0.00002; gnomAD exomes below 0.00001 and 0.00007.

Submissions (3):

PreventionGenetics, part of Exact Sciences
Classification: Likely benign for EGR2-related condition. Last evaluated: 2026-01-07. Review status: criteria provided, single submitter. Criteria: ACMG Guidelines, 2015. Collection method: clinical testing. Allele origin: germline.
Comment: This variant is classified as likely benign based on ACMG/AMP sequence variant interpretation guidelines (Richards et al. 2015 PMID: 25741868, with internal and published modifications).

Labcorp Genetics (formerly Invitae), Labcorp
Classification: Likely benign for Charcot-Marie-Tooth disease, type I. Last evaluated: 2025-10-27. Review status: criteria provided, single submitter. Criteria: Invitae Variant Classification Sherloc (09022015). Collection method: clinical testing. Allele origin: germline.

CeGaT Center for Human Genetics Tuebingen
Classification: Likely benign. Last evaluated: 2024-08-01. Review status: criteria provided, single submitter. Criteria: CeGaT Center For Human Genetics Tuebingen Variant Classification Criteria Version 2. Collection method: clinical testing. Allele origin: germline. Affected: yes. Observed: 1 variant allele.
Comment: EGR2: BP4, BP7

NM_000399.5(EGR2):c.1149C>T (p.Asp383=)

Gene: EGR2 (early growth response 2; minus strand). Cytogenetic location: 10q21.3.
Variant type: single nucleotide variant.
Coding change: c.1149C>T on transcript NM_000399.5 (MANE Select); coding-DNA position 1149, C replaced by T.
Protein change: p.Asp383=; no amino-acid change (aspartic acid 383 retained).
Molecular consequence: synonymous variant.
Genome position (GRCh38, 1-based): chr10:62,813,489, G>A on the plus strand (C>T on the coding strand, the complement: EGR2 is on the minus strand). VCF-style: chr10-62813489-G-A. GRCh37 (hg19) VCF-style: chr10-64573249-G-A.
Other names: c.1149C>T, p.Asp383= (NM_001136177.3, NM_001136178.2); c.999C>T, p.Asp333= (NM_001136179.3, NM_001321037.2); c.1149C>T (NM_000399.4).
Identifiers: ClinVar variation 1147844 (VCV001147844.26), dbSNP rs762387092, ClinGen allele CA208351225.